The following is an entry in ClinVar:

ClinVar aggregate classification (germline): Uncertain significance. Review status: criteria provided, multiple submitters, no conflicts (2 of 4 stars). 2 submissions from 2 submitters: Uncertain significance (2). Last evaluated 2025-05-23.

gnomAD v4.1: 15 of 1,486,438 alleles (0.001%); highest among the groups gnomAD compares: Admixed American, 0.026%; no homozygotes.

Submissions (2):

GeneDx
Classification: Uncertain significance. Last evaluated: 2025-05-23. Review status: criteria provided, single submitter. Criteria: GeneDx Variant Classification Process June 2021. Collection method: clinical testing. Allele origin: germline. Affected: yes.
Comment: Not observed at significant frequency in large population cohorts (gnomAD); In silico analysis supports that this missense variant has a deleterious effect on protein structure/function; Has not been previously published as pathogenic or benign to our knowledge

Blueprint Genetics
Classification: Uncertain significance. Last evaluated: 2021-01-21. Review status: criteria provided, single submitter. Criteria: ACMG Guidelines, 2015. Collection method: clinical testing. Allele origin: germline.

NM_001292063.2(OTOG):c.4355G>T (p.Cys1452Phe)

Gene: OTOG (otogelin; plus strand). Cytogenetic location: 11p15.1.
Variant type: single nucleotide variant.
Coding change: c.4355G>T on transcript NM_001292063.2 (MANE Select); coding-DNA position 4355, G replaced by T.
Protein change: p.Cys1452Phe; replaces cysteine 1452 with phenylalanine.
Molecular consequence: missense variant.
Genome position (GRCh38, 1-based): chr11:17,609,655, G>T. VCF-style: chr11-17609655-G-T. GRCh37 (hg19) VCF-style: chr11-17631202-G-T.
Other names: c.4391G>T, p.Cys1464Phe (NM_001277269.2); short protein forms C1452F, C1464F.
Identifiers: ClinVar variation 4530784 (VCV004530784.2).
Genomic context (GRCh38, chr11:17,609,655, plus strand): 5'-GCAATGACCCCCGGGGCAGCAGTCACCCCGCCTTCTGAACCTCTTCTTTTGTCTCCGCAG[G>T]TGTGGAGCCAGCAGTTTGGGTTCCCACAGAGGCCCTTGGCAATGAGACCCTCCCTCCCAG-3'
Protein context (NP_001278992.1, residues 1442-1462): VTQRCVYLED[Cys1452Phe]VEPAVWVPTE